The following is an entry in ClinVar:

ClinVar aggregate classification (germline): Likely pathogenic (1 of 4 stars; one submission).

Conditions:
Ehlers-Danlos syndrome, type 4 (EDSVASC). Also called: Ehlers-Danlos syndrome vascular type; Ehlers Danlos syndrome, ecchymotic type; Ehlers Danlos syndrome, arterial type; Ehlers Danlos syndrome, Sack-Barabas type; Ehlers-Danlos Syndrome Type IV. Identifiers: Orphanet 286, MedGen C0268338, MONDO:0017314, OMIM 130050.

Submission:

Labcorp Genetics (formerly Invitae), Labcorp
Classification: Likely pathogenic for Ehlers-Danlos syndrome, type 4. Last evaluated: 2026-01-04. Review status: criteria provided, single submitter. Criteria: Invitae Variant Classification Sherloc (09022015). Collection method: clinical testing. Allele origin: germline.
Comment: This sequence change replaces glycine, which is neutral and non-polar, with valine, which is neutral and non-polar, at codon 864 of the COL3A1 protein (p.Gly864Val). This variant is not present in population databases (gnomAD no frequency). This variant has not been reported in the literature in individuals affected with COL3A1-related conditions. Invitae Evidence Modeling of protein sequence and biophysical properties (such as structural, functional, and spatial information, amino acid conservation, physicochemical variation, residue mobility, and thermodynamic stability) indicates that this missense variant is expected to disrupt COL3A1 protein function with a positive predictive value of 95%. This variant disrupts the triple helix domain of COL3A1. Glycine residues within the Gly-Xaa-Yaa repeats of the triple helix domain are required for the structure and stability of fibrillar collagens (PMID: 7695699, 8218237, 19344236). In COL3A1, variants that affect these glycine residues are significantly enriched in individuals with disease (PMID: 24922459, 25758994) compared to the general population (ExAC). In summary, the currently available evidence indicates that the variant is pathogenic, but additional data are needed to prove that conclusively. Therefore, this variant has been classified as Likely Pathogenic.

Literature cited by the submitters: PubMed 7695699; PubMed 8218237; PubMed 19344236; PubMed 24922459; PubMed 25758994.

NM_000090.4(COL3A1):c.2591G>T (p.Gly864Val)

Gene: COL3A1 (collagen type III alpha 1 chain; plus strand). Cytogenetic location: 2q32.2.
Variant type: single nucleotide variant.
Coding change: c.2591G>T on transcript NM_000090.4 (MANE Select); coding-DNA position 2591, G replaced by T.
Protein change: p.Gly864Val; replaces glycine 864 with valine.
Molecular consequence: missense variant.
Genome position (GRCh38, 1-based): chr2:189,003,448, G>T. VCF-style: chr2-189003448-G-T. GRCh37 (hg19) VCF-style: chr2-189868174-G-T.
Other names: short protein forms G864V.
Identifiers: ClinVar variation 4800329 (VCV004800329.1).